The following is an entry in ClinVar:

ClinVar aggregate classification (germline): Pathogenic (1 of 4 stars; one submission).

Conditions:
Lynch syndrome 5 (LYNCH5). Also called: Colorectal cancer, hereditary nonpolyposis, type 5; Hereditary non-polyposis colorectal cancer, type 5. Identifiers: Orphanet 144, MedGen C1833477, MONDO:0013710, OMIM 614350. Disease mechanism: loss of function.

Submission:

Myriad Genetics, Inc.
Classification: Pathogenic for Lynch syndrome 5. Last evaluated: 2023-08-16. Review status: criteria provided, single submitter. Criteria: Myriad Autosomal Dominant, Autosomal Recessive and X-Linked Classification Criteria (2023). Collection method: clinical testing. Allele origin: unknown.
Comment: This variant is considered pathogenic. This variant creates a frameshift predicted to result in premature protein truncation.

NM_000179.3(MSH6):c.2020_2057del (p.Gly674fs)

Gene: MSH6 (mutS homolog 6; plus strand). Cytogenetic location: 2p16.3.
Variant type: Deletion.
Coding change: c.2020_2057del on transcript NM_000179.3 (MANE Select); coding-DNA positions 2020 to 2057, 38 bases deleted.
Protein change: p.Gly674fs; shifts the reading frame from glycine 674.
Molecular consequence: frameshift variant. On other transcripts: non-coding transcript variant (5), intron variant (2).
Genome position (GRCh38, 1-based): chr2:47,800,003-47,800,040, 38 bases deleted. GRCh37 (hg19): chr2:48,027,142-48,027,179.
Other names: c.1630_1667del, p.Gly544fs (NM_001281492.2); c.1114_1151del, p.Gly372fs (NM_001281493.2, NM_001281494.2, NM_001406811.1 and 6 more transcripts); c.2116_2153del, p.Gly706fs (NM_001406795.1, NM_001406802.1); c.2020_2057del, p.Gly674fs (NM_001406796.1, NM_001406798.1, NM_001406800.1 and 3 more transcripts); c.1723_1760del, p.Gly575fs (NM_001406797.1, NM_001406801.1, NM_001406805.1 and 10 more transcripts); c.1495_1532del, p.Gly499fs (NM_001406799.1, NM_001406806.1, NM_001406807.1); c.1942_1979del, p.Gly648fs (NM_001406804.1); c.2026_2063del, p.Gly676fs (NM_001406813.1); and 3 more; short protein forms G372fs, G499fs, G544fs, G575fs, G618fs, G648fs, G674fs, G676fs.
Identifiers: ClinVar variation 2673710 (VCV002673710.1), dbSNP rs2530645610, ClinGen allele CA2695200659.